The following is an entry in ClinVar:

ClinVar aggregate classification (germline): Uncertain significance. Review status: criteria provided, multiple submitters, no conflicts (2 of 4 stars). 2 submissions from 2 submitters: Uncertain significance (2). Last evaluated 2024-09-17.

Allele frequency attached by ClinVar (database versions not stated): ExAC 0.00002; gnomAD 0.00002.

Submissions (2):

Labcorp Genetics (formerly Invitae), Labcorp
Classification: Uncertain significance. Last evaluated: 2024-09-17. Review status: criteria provided, single submitter. Criteria: Invitae Variant Classification Sherloc (09022015). Collection method: clinical testing. Allele origin: germline.
Comment: This sequence change replaces aspartic acid, which is acidic and polar, with asparagine, which is neutral and polar, at codon 112 of the LRRC10 protein (p.Asp112Asn). This variant is present in population databases (rs751473904, gnomAD 0.002%). This variant has not been reported in the literature in individuals affected with LRRC10-related conditions. ClinVar contains an entry for this variant (Variation ID: 2042549). An algorithm developed to predict the effect of missense changes on protein structure and function (PolyPhen-2) suggests that this variant is likely to be tolerated. In summary, the available evidence is currently insufficient to determine the role of this variant in disease. Therefore, it has been classified as a Variant of Uncertain Significance.

Blueprint Genetics
Classification: Uncertain significance. Last evaluated: 2023-12-04. Review status: criteria provided, single submitter. Criteria: ACMG Guidelines, 2015. Collection method: clinical testing. Allele origin: germline.

NM_201550.4(LRRC10):c.334G>A (p.Asp112Asn)

Gene: LRRC10 (leucine rich repeat containing 10; minus strand). Cytogenetic location: 12q15.
Variant type: single nucleotide variant.
Coding change: c.334G>A on transcript NM_201550.4 (MANE Select); coding-DNA position 334, G replaced by A.
Protein change: p.Asp112Asn; replaces aspartic acid 112 with asparagine.
Molecular consequence: missense variant.
Genome position (GRCh38, 1-based): chr12:69,610,505, C>T on the plus strand (G>A on the coding strand, the complement: LRRC10 is on the minus strand). VCF-style: chr12-69610505-C-T. GRCh37 (hg19) VCF-style: chr12-70004285-C-T.
Other names: short protein forms D112N.
Identifiers: ClinVar variation 2042549 (VCV002042549.5), dbSNP rs751473904, ClinGen allele CA6681089.